The following is an entry in ClinVar:

NM_002439.5(MSH3):c.1480A>G (p.Asn494Asp)

Gene: MSH3 (mutS homolog 3; plus strand). Cytogenetic location: 5q14.1.
Variant type: single nucleotide variant.
Coding change: c.1480A>G on transcript NM_002439.5 (MANE Select); coding-DNA position 1480, A replaced by G.
Protein change: p.Asn494Asp; replaces asparagine 494 with aspartic acid.
Molecular consequence: missense variant.
Genome position (GRCh38, 1-based): chr5:80,728,877, A>G. VCF-style: chr5-80728877-A-G. GRCh37 (hg19) VCF-style: chr5-80024696-A-G.
Other names: c.1480A>G (NM_002439.3); short protein forms N494D.
Identifiers: ClinVar variation 1497638 (VCV001497638.10), dbSNP rs778563277, ClinGen allele CA3327936.
Genomic context (GRCh38, chr5:80,728,877, plus strand): 5'-TTTTTATAACAAGTTAATATATTCTGTTTTCTAGGTTCTCAAATTATTTCTGGCATTGTT[A>G]ACTTAGAGAAGCCTGTGATTTGCTCTTTGGCTGCCATCATAAAATACCTCAAAGAATTCA-3'
Protein context (NP_002430.3, residues 484-504): KGSQIISGIV[Asn494Asp]LEKPVICSLA

ClinVar aggregate classification (germline): Conflicting classifications of pathogenicity. Review status: criteria provided, conflicting classifications (1 of 4 stars). 3 submissions from 3 submitters: Uncertain significance (2); Likely benign (1). Last evaluated 2025-09-10.

Conditions:
Hereditary cancer-predisposing syndrome. Also called: Tumor predisposition; Hereditary neoplastic syndrome; Neoplastic Syndromes, Hereditary; Hereditary Cancer Syndrome. Identifiers: Orphanet 140162, MedGen C0027672, MeSH D009386, MONDO:0015356.

Allele frequency attached by ClinVar (database versions not stated): ExAC 0.00001; gnomAD 0.00001.
gnomAD v4.1: 2 of 1,606,942 alleles (0.00012%); highest among the groups gnomAD compares: Non-Finnish European, 0.00017%; no homozygotes.

Submissions (3):

Labcorp Genetics (formerly Invitae), Labcorp
Classification: Uncertain significance. Last evaluated: 2025-09-10. Review status: criteria provided, single submitter. Criteria: Invitae Variant Classification Sherloc (09022015). Collection method: clinical testing. Allele origin: germline.
Comment: This sequence change replaces asparagine, which is neutral and polar, with aspartic acid, which is acidic and polar, at codon 494 of the MSH3 protein (p.Asn494Asp). This variant is present in population databases (rs778563277, gnomAD 0.002%). This variant has not been reported in the literature in individuals affected with MSH3-related conditions. ClinVar contains an entry for this variant (Variation ID: 1497638). An algorithm developed to predict the effect of missense changes on protein structure and function (PolyPhen-2) suggests that this variant is likely to be tolerated. In summary, the available evidence is currently insufficient to determine the role of this variant in disease. Therefore, it has been classified as a Variant of Uncertain Significance.

Ambry Genetics
Classification: Likely benign for Hereditary cancer-predisposing syndrome. Last evaluated: 2024-02-14. Review status: criteria provided, single submitter. Criteria: Ambry Variant Classification Scheme 2023. Collection method: clinical testing. Allele origin: germline.

Sema4
Classification: Uncertain significance for Hereditary cancer-predisposing syndrome. Last evaluated: 2021-11-26. Review status: criteria provided, single submitter. Criteria: Sema4 Curation Guidelines. Collection method: curation. Allele origin: germline.
Comment: The MSH3 c.1480A>G (p.M494V) variant has not been reported in the literature to our knowledge. It was observed in 1/15426 chromosomes of the Non-Finnish European (NFE) subpopulation in the large and broad cohorts of the Genome Aggregation Database (PMID: 32461654). This variant has not been reported in ClinVar. Functional studies have not been performed, and in silico predictions of the variant's effect on protein function are inconclusive. The evidence is insufficient to meet ACMG/AMP criteria for classifying the variant as benign or pathogenic. Thus, the clinical significance of this variant is currently uncertain.